The following is an entry in ClinVar:

ClinVar aggregate classification (germline): Likely benign. Review status: criteria provided, multiple submitters, no conflicts (2 of 4 stars). 3 submissions from 3 submitters: Likely benign (2). 1 of the submissions does not count toward it. Last evaluated 2026-01-19.

Conditions:
Diamond-Blackfan anemia. Also called: Blackfan Diamond syndrome; Aregenerative anemia chronic congenital; Red cell aplasia, pure hereditary; Congenital hypoplastic anemia; Aase syndrome. Identifiers: Orphanet 124, MedGen C1260899, MeSH D029503, MONDO:0015253, HP:0004810.
RPL19-related disorder. Also called: RPL19-related condition.

Allele frequency attached by ClinVar (database versions not stated): ExAC 0.00469.

Submissions (3):

Labcorp Genetics (formerly Invitae), Labcorp
Classification: Likely benign. Last evaluated: 2026-01-19. Review status: criteria provided, single submitter. Criteria: Invitae Variant Classification Sherloc (09022015). Collection method: clinical testing. Allele origin: germline.

Ambry Genetics
Classification: Likely benign for Diamond-Blackfan anemia. Last evaluated: 2022-03-04. Review status: criteria provided, single submitter. Criteria: Ambry Variant Classification Scheme 2023. Collection method: clinical testing. Allele origin: germline.

PreventionGenetics, part of Exact Sciences
Classification: Likely benign for RPL19-related condition. Last evaluated: 2022-12-30. Review status: no assertion criteria provided. Collection method: clinical testing. Allele origin: germline. Not counted in ClinVar's aggregate classification.
Comment: This variant is classified as likely benign based on ACMG/AMP sequence variant interpretation guidelines (Richards et al. 2015 PMID: 25741868, with internal and published modifications).

NM_000981.4(RPL19):c.564A>G (p.Leu188=)

Gene: RPL19 (ribosomal protein L19; plus strand). Cytogenetic location: 17q12.
Variant type: single nucleotide variant.
Coding change: c.564A>G on transcript NM_000981.4 (MANE Select); coding-DNA position 564, A replaced by G.
Protein change: p.Leu188=; no amino-acid change (leucine 188 retained).
Molecular consequence: synonymous variant.
Genome position (GRCh38, 1-based): chr17:39,204,621, A>G. VCF-style: chr17-39204621-A-G. GRCh37 (hg19) VCF-style: chr17-37360874-A-G.
Other names: c.558A>G, p.Leu186= (NM_001330200.1).
Identifiers: ClinVar variation 1145863 (VCV001145863.13), dbSNP rs758902267, ClinGen allele CA8528975.
Genomic context (GRCh38, chr17:39,204,621, plus strand): 5'-AGCACGCAAGCGCCGTGAAGAGCGCCTCCAGGCCAAGAAGGAGGAGATCATCAAGACTTT[A>G]TCCAAGGAGGAAGAGACCAAGAAATAAAACCTCCCACTTTGTCTGTACATACTGGCCTCT-3'
Protein context (NP_000972.1, residues 178-196): QAKKEEIIKT[Leu188=]SKEEETKK